The following is an entry in ClinVar:

NM_001365999.1(SZT2):c.7169A>G (p.Gln2390Arg)

Gene: SZT2 (SZT2 subunit of KICSTOR complex; plus strand). Cytogenetic location: 1p34.2.
Variant type: single nucleotide variant.
Coding change: c.7169A>G on transcript NM_001365999.1 (MANE Select); coding-DNA position 7169, A replaced by G.
Protein change: p.Gln2390Arg; replaces glutamine 2390 with arginine.
Molecular consequence: missense variant.
Genome position (GRCh38, 1-based): chr1:43,440,007, A>G. VCF-style: chr1-43440007-A-G. GRCh37 (hg19) VCF-style: chr1-43905678-A-G.
Other names: c.6998A>G, p.Gln2333Arg (NM_015284.4); c.6998A>G (NM_015284.3); short protein forms Q2333R, Q2390R.
Identifiers: ClinVar variation 1357783 (VCV001357783.6), dbSNP rs1404132920, ClinGen allele CA340033557.
Genomic context (GRCh38, chr1:43,440,007, plus strand): 5'-TGGAGGAGAAACTCCGAGGAGCAGCTCGCCAGGCCCTGGCCGATGCCATCATCGAGCTTC[A>G]GCTGCTGCCAGCTTCACTATGTACAGAGGACACACCCACAGGTATGCAAGTCAAGAGGTC-3'
Protein context (NP_001352928.1, residues 2380-2400): QALADAIIEL[Gln2390Arg]LLPASLCTED

ClinVar aggregate classification (germline): Conflicting classifications of pathogenicity. Review status: criteria provided, conflicting classifications (1 of 4 stars). 2 submissions from 2 submitters: Uncertain significance (1); Likely benign (1). Last evaluated 2024-06-11.

Conditions:
Inborn genetic diseases. Identifiers: MedGen C0950123, MeSH D030342.

Allele frequency attached by ClinVar (database versions not stated): gnomAD exomes below 0.00001; TOPMed 0.00001; gnomAD 0.00003.
gnomAD v4.1: 6 of 1,614,024 alleles (0.00037%); highest among the groups gnomAD compares: African/African-American, 0.008%; no homozygotes.

Submissions (2):

Ambry Genetics
Classification: Likely benign for Inborn genetic diseases. Last evaluated: 2024-06-11. Review status: criteria provided, single submitter. Criteria: Ambry Variant Classification Scheme 2023. Collection method: clinical testing. Allele origin: germline.

Labcorp Genetics (formerly Invitae), Labcorp
Classification: Uncertain significance. Last evaluated: 2022-02-24. Review status: criteria provided, single submitter. Criteria: Invitae Variant Classification Sherloc (09022015). Collection method: clinical testing. Allele origin: germline.
Comment: This sequence change replaces glutamine, which is neutral and polar, with arginine, which is basic and polar, at codon 2333 of the SZT2 protein (p.Gln2333Arg). This variant is present in population databases (no rsID available, gnomAD 0.01%). This variant has not been reported in the literature in individuals affected with SZT2-related conditions. Algorithms developed to predict the effect of missense changes on protein structure and function output the following: SIFT: "Tolerated"; PolyPhen-2: "Benign"; Align-GVGD: "Class C0". The arginine amino acid residue is found in multiple mammalian species, which suggests that this missense change does not adversely affect protein function. In summary, the available evidence is currently insufficient to determine the role of this variant in disease. Therefore, it has been classified as a Variant of Uncertain Significance.